The following is an entry in ClinVar:

ClinVar aggregate classification (germline): Uncertain significance (1 of 4 stars; one submission).

Allele frequency attached by ClinVar (database versions not stated): gnomAD exomes below 0.00001.
gnomAD v4.1: 1 of 1,590,790 alleles (0.000063%); highest among the groups gnomAD compares: East Asian, 0.0023%; no homozygotes.

Submission:

Labcorp Genetics (formerly Invitae), Labcorp
Classification: Uncertain significance. Last evaluated: 2022-06-23. Review status: criteria provided, single submitter. Criteria: Invitae Variant Classification Sherloc (09022015). Collection method: clinical testing. Allele origin: germline.
Comment: In summary, the available evidence is currently insufficient to determine the role of this variant in disease. Therefore, it has been classified as a Variant of Uncertain Significance. Algorithms developed to predict the effect of missense changes on protein structure and function are either unavailable or do not agree on the potential impact of this missense change (SIFT: "Deleterious"; PolyPhen-2: "Benign"; Align-GVGD: "Class C55"). This variant has not been reported in the literature in individuals affected with MPDZ-related conditions. This variant is not present in population databases (gnomAD no frequency). This sequence change replaces lysine, which is basic and polar, with glutamic acid, which is acidic and polar, at codon 1820 of the MPDZ protein (p.Lys1820Glu).

NM_001378778.1(MPDZ):c.5545A>G (p.Lys1849Glu)

Gene: MPDZ (multiple PDZ domain crumbs cell polarity complex component; minus strand). Cytogenetic location: 9p23.
Variant type: single nucleotide variant.
Coding change: c.5545A>G on transcript NM_001378778.1 (MANE Select); coding-DNA position 5545, A replaced by G.
Protein change: p.Lys1849Glu; replaces lysine 1849 with glutamic acid.
Molecular consequence: missense variant.
Genome position (GRCh38, 1-based): chr9:13,113,943, T>C on the plus strand (A>G on the coding strand, the complement: MPDZ is on the minus strand). VCF-style: chr9-13113943-T-C. GRCh37 (hg19) VCF-style: chr9-13113942-T-C.
Other names: c.5446A>G, p.Lys1816Glu (NM_001261406.2, NM_001375416.1, NM_001375417.1 and 1 more transcripts); c.5359A>G, p.Lys1787Glu (NM_001261407.2, NM_001375419.1); c.5545A>G, p.Lys1849Glu (NM_001330637.2); c.5644A>G, p.Lys1882Glu (NM_001375413.1); c.5335A>G, p.Lys1779Glu (NM_001375420.1, NM_001375421.1, NM_001375422.1 and 2 more transcripts); c.5248A>G, p.Lys1750Glu (NM_001375425.1, NM_001375426.1); c.5137A>G, p.Lys1713Glu (NM_001375427.1); c.5458A>G, p.Lys1820Glu (NM_003829.5); short protein forms K1713E, K1750E, K1849E, K1779E, K1787E, K1816E, K1820E, K1882E.
Identifiers: ClinVar variation 2009804 (VCV002009804.4), dbSNP rs2537930072, ClinGen allele CA372942125.
Genomic context (GRCh38, chr9:13,113,943, plus strand): 5'-GTTGACAGCCAAATTCAAACCATGTTTAAAATACTGAACCAATCTTACATGCATTCTTCT[T>C]TGAGCTACTTTCCAGTGACTCAGATGTACTGGATCCAGAGAGTGGAAAAGTGAAAGATGA-3'
Protein context (NP_001365707.1, residues 1839-1859): STSESLESSS[Lys1849Glu]KNALASEIQG